The following is an entry in ClinVar:

NM_001349338.3(FOXP1):c.153CGCCCA[3] (p.His53_Ala54dup)

Gene: FOXP1 (forkhead box P1; minus strand). Cytogenetic location: 3p13.
Variant type: Microsatellite.
Coding change: c.153CGCCCA[3] on transcript NM_001349338.3 (MANE Select); three copies in a row of the 6-base unit CGCCCA starting at c.153; the reference has two copies in a row; one copy, 6 bases duplicated.
Protein change: p.His53_Ala54dup.
Molecular consequence: inframe insertion. On other transcripts: non-coding transcript variant (2).
Genome position (GRCh38, 1-based): chr3:71,198,218-71,198,223, TGGGCG duplicated on the plus strand (CGCCCA on the coding strand, the reverse complement: FOXP1 is on the minus strand); duplicating any 6 consecutive bases within chr3:71,198,218-71,198,229 gives the same sequence; the position shown is the placement nearest the transcript's 3' end. VCF-style (leftmost placement, unchanged base first): chr3-71198217-C-CTGGGCG. GRCh37 (hg19) VCF-style: chr3-71247368-C-CTGGGCG.
Other names: c.153CGCCCA[3], p.His53_Ala54dup (NM_001012505.2, NM_001244808.3, NM_001244810.2 and 6 more transcripts).
Identifiers: ClinVar variation 588888 (VCV000588888.5), dbSNP rs1560101657, ClinGen allele CA891842676.
Genomic context (GRCh38, chr3:71,198,217, plus strand): 5'-TTCGCACCCACCACCTCCACCTCCCAAGACTCCAAAGCCCAGTACCTGTTGCTGCTGCTG[C>CTGGGCG]TGGGCGTGGGCGAGGTCAGCTGCCCCGATGTCCACGGCCGGCGTCTCTCCGTTGGACCGC-3'

ClinVar aggregate classification (germline): Uncertain significance (1 of 4 stars; one submission).

Conditions:
Inborn genetic diseases. Identifiers: MedGen C0950123, MeSH D030342.

Submission:

Ambry Genetics
Classification: Uncertain significance for Inborn genetic diseases. Last evaluated: 2017-03-14. Review status: criteria provided, single submitter. Criteria: Ambry Variant Classification Scheme 2023. Collection method: clinical testing. Allele origin: germline.
Comment: The c.159_164dupCGCCCA variant (also known as p.H53_A54dup), located in coding exon 1 of the FOXP1 gene, results from an in-frame duplication of CGCCCA at nucleotide positions 159 to 164. This results in the duplication of 2 extra residues (HA) between codons 53 and 54. These amino acid positions are not well conserved in available vertebrate species. Since supporting evidence is limited at this time, the clinical significance of this alteration remains unclear.